The following is an entry in ClinVar:

ClinVar aggregate classification (germline): Uncertain significance. Review status: criteria provided, multiple submitters, no conflicts (2 of 4 stars). 3 submissions from 3 submitters: Uncertain significance (3). Last evaluated 2024-05-07.

Conditions:
Fraser syndrome 3. Identifiers: MedGen C4540040, MONDO:0054739, OMIM 617667.

Allele frequency attached by ClinVar (database versions not stated): gnomAD 0.00008 and 0.00009; TOPMed 0.00010; ExAC 0.00011; gnomAD exomes 0.00012; ESP Exome Variant Server 0.00017.
gnomAD v4.1: 115 of 1,587,246 alleles (0.0072%); highest among the groups gnomAD compares: African/African-American, 0.019%; no homozygotes.

Submissions (3):

Fulgent Genetics
Classification: Uncertain significance for Fraser syndrome 3. Last evaluated: 2024-05-07. Review status: criteria provided, single submitter. Criteria: ACMG Guidelines, 2015. Collection method: clinical testing. Allele origin: germline.

Labcorp Genetics (formerly Invitae), Labcorp
Classification: Uncertain significance. Last evaluated: 2022-08-20. Review status: criteria provided, single submitter. Criteria: Invitae Variant Classification Sherloc (09022015). Collection method: clinical testing. Allele origin: germline.
Comment: This sequence change replaces aspartic acid, which is acidic and polar, with glutamic acid, which is acidic and polar, at codon 546 of the GRIP1 protein (p.Asp546Glu). This variant is present in population databases (rs371673578, gnomAD 0.03%). This variant has not been reported in the literature in individuals affected with GRIP1-related conditions. ClinVar contains an entry for this variant (Variation ID: 881237). Algorithms developed to predict the effect of missense changes on protein structure and function (SIFT, PolyPhen-2, Align-GVGD) all suggest that this variant is likely to be tolerated. In summary, the available evidence is currently insufficient to determine the role of this variant in disease. Therefore, it has been classified as a Variant of Uncertain Significance.

Illumina Laboratory Services, Illumina
Classification: Uncertain significance for Fraser syndrome 3. Last evaluated: 2018-01-12. Review status: criteria provided, single submitter. Criteria: ICSL Variant Classification Criteria 13 December 2019. Collection method: clinical testing. Allele origin: germline.

NM_001366722.1(GRIP1):c.1794C>A (p.Asp598Glu)

Gene: GRIP1 (glutamate receptor interacting protein 1; minus strand). Cytogenetic location: 12q14.3.
Variant type: single nucleotide variant.
Coding change: c.1794C>A on transcript NM_001366722.1 (MANE Select); coding-DNA position 1794, C replaced by A.
Protein change: p.Asp598Glu; replaces aspartic acid 598 with glutamic acid.
Molecular consequence: missense variant.
Genome position (GRCh38, 1-based): chr12:66,420,764, G>T on the plus strand (C>A on the coding strand, the complement: GRIP1 is on the minus strand). VCF-style: chr12-66420764-G-T. GRCh37 (hg19) VCF-style: chr12-66814544-G-T.
Other names: c.1638C>A, p.Asp546Glu (NM_001178074.2, NM_021150.4); c.1713C>A, p.Asp571Glu (NM_001366723.1); c.1716C>A, p.Asp572Glu (NM_001366724.1); short protein forms D546E, D571E, D572E, D598E.
Identifiers: ClinVar variation 881237 (VCV000881237.6), dbSNP rs371673578, ClinGen allele CA6674280.